The following is an entry in ClinVar:

ClinVar aggregate classification (germline): Conflicting classifications of pathogenicity. Review status: criteria provided, conflicting classifications (1 of 4 stars). 4 submissions from 4 submitters: Uncertain significance (1); Likely benign (2). 1 of the submissions does not count toward it. Last evaluated 2025-12-15.

Conditions:
VCAN-related disorder. Also called: VCAN-related condition.
Inborn genetic diseases. Identifiers: MedGen C0950123, MeSH D030342.

Allele frequency attached by ClinVar (database versions not stated): gnomAD exomes 0.00017; ExAC 0.00024; 1000 Genomes Project 0.00040; 1000 Genomes Project 30x 0.00047; gnomAD 0.00064 and 0.00067; TOPMed 0.00080; ESP Exome Variant Server 0.00092.
gnomAD v4.1: 194 of 1,613,926 alleles (0.012%); highest among the groups gnomAD compares: African/African-American, 0.23%; no homozygotes.

Submissions (4):

Labcorp Genetics (formerly Invitae), Labcorp
Classification: Likely benign. Last evaluated: 2025-12-15. Review status: criteria provided, single submitter. Criteria: Invitae Variant Classification Sherloc (09022015). Collection method: clinical testing. Allele origin: germline.

Blueprint Genetics
Classification: Likely benign. Last evaluated: 2024-11-25. Review status: criteria provided, single submitter. Criteria: ACMG Guidelines, 2015. Collection method: clinical testing. Allele origin: germline.

Ambry Genetics
Classification: Uncertain significance for Inborn genetic diseases. Last evaluated: 2022-11-21. Review status: criteria provided, single submitter. Criteria: Ambry Variant Classification Scheme 2023. Collection method: clinical testing. Allele origin: germline.

PreventionGenetics, part of Exact Sciences
Classification: Likely benign for VCAN-related condition. Last evaluated: 2019-11-07. Review status: no assertion criteria provided. Collection method: clinical testing. Allele origin: germline. Not counted in ClinVar's aggregate classification.
Comment: This variant is classified as likely benign based on ACMG/AMP sequence variant interpretation guidelines (Richards et al. 2015 PMID: 25741868, with internal and published modifications).

NM_004385.5(VCAN):c.5410G>A (p.Ala1804Thr)

Genes: VCAN (versican; plus strand), VCAN-AS1 (VCAN antisense RNA 1; minus strand). Cytogenetic location: 5q14.3.
Variant type: single nucleotide variant.
Coding change: c.5410G>A on transcript NM_004385.5 (MANE Select); coding-DNA position 5410, G replaced by A.
Protein change: p.Ala1804Thr; replaces alanine 1804 with threonine.
Molecular consequence: missense variant. On other transcripts: intron variant (2).
Genome position (GRCh38, 1-based): chr5:83,538,413, G>A. VCF-style: chr5-83538413-G-A. GRCh37 (hg19) VCF-style: chr5-82834232-G-A.
Other names: c.2449G>A, p.Ala817Thr (NM_001164097.2); c.4004-7124G>A (NM_001164098.2); c.1043-7124G>A (NM_001126336.3); short protein forms A1804T, A817T.
Identifiers: ClinVar variation 730301 (VCV000730301.15), dbSNP rs141680853, ClinGen allele CA3333323.
Genomic context (GRCh38, chr5:83,538,413, plus strand): 5'-AGGGAAATGACAGATTCTACTCCTGTCTTTACAGAAACAAATACATTAGAAAATTTGGGG[G>A]CACAGACCACTGAGCACAGCAGTATCCATCAACCTGGGGTTCAGGAAGGGCTGACCACTC-3'
Protein context (NP_004376.2, residues 1794-1814): TETNTLENLG[Ala1804Thr]QTTEHSSIHQ